The following is an entry in ClinVar:

NM_000814.6(GABRB3):c.461+195_461+196insT

Gene: GABRB3 (gamma-aminobutyric acid type A receptor subunit beta3; minus strand). Cytogenetic location: 15q12.
Variant type: Insertion.
Coding change: c.461+195_461+196insT on transcript NM_000814.6 (MANE Select); bases 195 to 196 of the intron after coding-DNA position 461, T inserted.
Molecular consequence: intron variant.
Genome position: GRCh38 VCF-style: chr15-26621118-G-GA. GRCh37 (hg19) VCF-style: chr15-26866265-G-GA.
Other names: c.461+195_461+196insT (NM_021912.5); c.206+195_206+196insT (NM_001278631.2, NM_001191320.2); c.248+195_248+196insT (NM_001191321.3).
Identifiers: ClinVar variation 680286 (VCV000680286.1), dbSNP rs112294385, ClinGen allele CA268161481.

ClinVar aggregate classification (germline): Benign (1 of 4 stars; one submission).

Allele frequency attached by ClinVar (database versions not stated): 1000 Genomes Project 0.28295; 1000 Genomes Project 30x 0.28451; gnomAD 0.36091 and 0.36257.

Submission:

GeneDx
Classification: Benign. Last evaluated: 2018-06-14. Review status: criteria provided, single submitter. Criteria: GeneDx Variant Classification (06012015). Collection method: clinical testing. Allele origin: germline. Affected: yes.
Comment: This variant is considered likely benign or benign based on one or more of the following criteria: it is a conservative change, it occurs at a poorly conserved position in the protein, it is predicted to be benign by multiple in silico algorithms, and/or has population frequency not consistent with disease.